The following is an entry in ClinVar:

ClinVar aggregate classification (germline): Uncertain significance. Review status: criteria provided, multiple submitters, no conflicts (2 of 4 stars). 5 submissions from 5 submitters: Uncertain significance (4). 1 of the submissions does not count toward it. Last evaluated 2022-07-29.

Conditions:
Inborn genetic diseases. Identifiers: MedGen C0950123, MeSH D030342.
Charcot-Marie-Tooth disease type 4. Also called: Charcot-Marie-Tooth disease, type IV; Charcot-Marie-Tooth, Type 4. Identifiers: Orphanet 64749, MedGen C4082197, MONDO:0018995.
Charcot-Marie-Tooth disease type 4D. Also called: CHARCOT-MARIE-TOOTH DISEASE, DEMYELINATING, AUTOSOMAL RECESSIVE, TYPE 4D; NEUROPATHY, HEREDITARY MOTOR AND SENSORY, LOM TYPE; Charcot-Marie-Tooth Neuropathy Type 4D; CHARCOT-MARIE-TOOTH DISEASE, DEMYELINATING, TYPE 4D. Identifiers: Orphanet 99950, MedGen C1832334, MONDO:0011085, OMIM 601455.

Allele frequency attached by ClinVar (database versions not stated): TOPMed 0.00004.
gnomAD v4.1: 42 of 1,613,344 alleles (0.0026%); highest among the groups gnomAD compares: Non-Finnish European, 0.0033%; no homozygotes.

Submissions (5):

Labcorp Genetics (formerly Invitae), Labcorp
Classification: Uncertain significance for Charcot-Marie-Tooth disease type 4. Last evaluated: 2022-07-29. Review status: criteria provided, single submitter. Criteria: Invitae Variant Classification Sherloc (09022015). Collection method: clinical testing. Allele origin: germline.
Comment: This sequence change replaces alanine, which is neutral and non-polar, with serine, which is neutral and polar, at codon 103 of the NDRG1 protein (p.Ala103Ser). This variant is present in population databases (rs374160497, gnomAD 0.004%). This variant has not been reported in the literature in individuals affected with NDRG1-related conditions. ClinVar contains an entry for this variant (Variation ID: 234684). Algorithms developed to predict the effect of missense changes on protein structure and function are either unavailable or do not agree on the potential impact of this missense change (SIFT: "Tolerated"; PolyPhen-2: "Probably Damaging"; Align-GVGD: "Class C0"). In summary, the available evidence is currently insufficient to determine the role of this variant in disease. Therefore, it has been classified as a Variant of Uncertain Significance.

Mayo Clinic Laboratories, Mayo Clinic
Classification: Uncertain significance. Last evaluated: 2020-10-12. Review status: criteria provided, single submitter. Criteria: ACMG Guidelines, 2015. Collection method: clinical testing. Allele origin: germline. Observed: 1 variant allele.

Ambry Genetics
Classification: Uncertain significance for Inborn genetic diseases. Last evaluated: 2019-11-04. Review status: criteria provided, single submitter. Criteria: Ambry Variant Classification Scheme 2023. Collection method: clinical testing. Allele origin: germline.
Comment: The p.A103S variant (also known as c.307G>T), located in coding exon 4 of the NDRG1 gene, results from a G to T substitution at nucleotide position 307. The alanine at codon 103 is replaced by serine, an amino acid with similar properties. This amino acid position is highly conserved in available vertebrate species. In addition, this alteration is predicted to be tolerated by in silico analysis. Since supporting evidence is limited at this time, the clinical significance of this alteration remains unclear.

GeneDx
Classification: Uncertain significance. Last evaluated: 2015-12-28. Review status: criteria provided, single submitter. Criteria: GeneDx Variant Classification (06012015). Collection method: clinical testing. Allele origin: germline. Affected: yes.
Comment: The A103S variant has not been published as a pathogenic variant, nor has it been reported as a benign variant to our knowledge. It was not observed in approximately 6,500 individuals of European and African American ancestry in the NHLBI Exome Sequencing Project, indicating it is not a common benign variant in these populations. The A103S variant is a non-conservative amino acid substitution, which is likely to impact secondary protein structure as these residues differ in polarity, charge, size, and/or other properties. This substitution occurs at a position that is conserved across species. However, missense variants in the NDRG1 gene have not been reported in the Human Gene Mutation Database in association with neuropathy (Stenson et al., 2014). In silico analysis is inconsistent in its predictions as to whether or not the variant is damaging to the protein structure/function. Therefore, based on the currently available information, it is unclear whether this variant is a pathogenic variant or a rare benign variant.

Natera, Inc.
Classification: Uncertain significance for Charcot-Marie-Tooth disease type 4D. Last evaluated: 2020-11-05. Review status: no assertion criteria provided. Collection method: clinical testing. Allele origin: germline. Not counted in ClinVar's aggregate classification.

NM_006096.4(NDRG1):c.307G>T (p.Ala103Ser)

Gene: NDRG1 (N-myc downstream regulated 1; minus strand). Cytogenetic location: 8q24.22.
Variant type: single nucleotide variant.
Coding change: c.307G>T on transcript NM_006096.4 (MANE Select); coding-DNA position 307, G replaced by T.
Protein change: p.Ala103Ser; replaces alanine 103 with serine.
Molecular consequence: missense variant.
Genome position (GRCh38, 1-based): chr8:133,262,066, C>A on the plus strand (G>T on the coding strand, the complement: NDRG1 is on the minus strand). VCF-style: chr8-133262066-C-A. GRCh37 (hg19) VCF-style: chr8-134274309-C-A.
Other names: c.307G>T, p.Ala103Ser (NM_001135242.2, NM_001374844.1, NM_001374845.1 and 1 more transcripts); c.109G>T, p.Ala37Ser (NM_001258432.2, NM_001374847.1); c.64G>T, p.Ala22Ser (NM_001258433.2); short protein forms A103S, A22S, A37S.
Identifiers: ClinVar variation 234684 (VCV000234684.12), dbSNP rs374160497, ClinGen allele CA4886827.